The following is an entry in ClinVar:

ClinVar aggregate classification (germline): Pathogenic (1 of 4 stars; one submission).

Conditions:
Odonto-onycho-dermal dysplasia. Identifiers: Orphanet 2721, MedGen C0796093, MONDO:0009773, OMIM 257980.
Tooth agenesis, selective, 4 (STHAG4). Also called: LATERAL INCISORS, ABSENCE OF; LATERAL INCISORS, PEGGED OR MISSING; SUCCEDANEOUS TEETH, AGENESIS OF; TOOTH AGENESIS, SELECTIVE, 4, WITH OR WITHOUT ECTODERMAL DYSPLASIA. Identifiers: Orphanet 99798, MedGen C1835492, MONDO:0007881, OMIM 150400. Disease mechanism: loss of function.

Submission:

Labcorp Genetics (formerly Invitae), Labcorp
Classification: Pathogenic for Tooth agenesis, selective, 4; Odonto-onycho-dermal dysplasia. Last evaluated: 2023-08-24. Review status: criteria provided, single submitter. Criteria: Invitae Variant Classification Sherloc (09022015). Collection method: clinical testing. Allele origin: germline.
Comment: For these reasons, this variant has been classified as Pathogenic. This variant is not present in population databases (gnomAD no frequency). This variant has not been reported in the literature in individuals affected with WNT10A-related conditions. This sequence change creates a premature translational stop signal (p.Ala85Serfs*35) in the WNT10A gene. It is expected to result in an absent or disrupted protein product. Loss-of-function variants in WNT10A are known to be pathogenic (PMID: 17847007, 22581971, 25629078).

Literature cited by the submitters: PubMed 17847007; PubMed 22581971; PubMed 25629078.

NM_025216.3(WNT10A):c.251dup (p.Ala85fs)

Gene: WNT10A (Wnt family member 10A; plus strand). Cytogenetic location: 2q35.
Variant type: Duplication.
Coding change: c.251dup on transcript NM_025216.3 (MANE Select); coding-DNA position 251, one base duplicated (C; older notation c.251dupC).
Protein change: p.Ala85fs; shifts the reading frame from alanine 85.
Molecular consequence: frameshift variant.
Genome position (GRCh38, 1-based): chr2:218,882,298, C duplicated. VCF-style (leftmost placement, unchanged base first): chr2-218882297-T-TC. GRCh37 (hg19) VCF-style: chr2-219747019-T-TC.
Other names: short protein forms A85fs.
Identifiers: ClinVar variation 2951243 (VCV002951243.3), dbSNP rs2470303448, ClinGen allele CA2740096460.